The following is an entry in ClinVar:

ClinVar aggregate classification (germline): Uncertain significance. Review status: criteria provided, multiple submitters, no conflicts (2 of 4 stars). 2 submissions from 2 submitters: Uncertain significance (2). Last evaluated 2023-12-11.

Allele frequency attached by ClinVar (database versions not stated): gnomAD exomes 0.00006 and 0.00013; gnomAD 0.00011 and 0.00013; ExAC 0.00015; TOPMed 0.00015.
gnomAD v4.1: 112 of 1,614,192 alleles (0.0069%); highest among the groups gnomAD compares: East Asian, 0.17%; no homozygotes.

Submissions (2):

Labcorp Genetics (formerly Invitae), Labcorp
Classification: Uncertain significance. Last evaluated: 2023-12-11. Review status: criteria provided, single submitter. Criteria: Invitae Variant Classification Sherloc (09022015). Collection method: clinical testing. Allele origin: germline.
Comment: This sequence change replaces threonine, which is neutral and polar, with alanine, which is neutral and non-polar, at codon 979 of the STIL protein (p.Thr979Ala). This variant is present in population databases (rs78932355, gnomAD 0.1%). This variant has not been reported in the literature in individuals affected with STIL-related conditions. ClinVar contains an entry for this variant (Variation ID: 1368068). Advanced modeling of protein sequence and biophysical properties (such as structural, functional, and spatial information, amino acid conservation, physicochemical variation, residue mobility, and thermodynamic stability) performed at Invitae indicates that this missense variant is not expected to disrupt STIL protein function with a negative predictive value of 80%. In summary, the available evidence is currently insufficient to determine the role of this variant in disease. Therefore, it has been classified as a Variant of Uncertain Significance.

GeneDx
Classification: Uncertain significance. Last evaluated: 2022-09-16. Review status: criteria provided, single submitter. Criteria: GeneDx Variant Classification Process June 2021. Collection method: clinical testing. Allele origin: germline. Affected: yes.
Comment: In silico analysis supports that this missense variant does not alter protein structure/function; Has not been previously published as pathogenic or benign to our knowledge

NM_001048166.1(STIL):c.2938A>G (p.Thr980Ala)

Gene: STIL (STIL centriolar assembly protein; minus strand). Cytogenetic location: 1p33.
Variant type: single nucleotide variant.
Coding change: c.2938A>G on transcript NM_001048166.1 (MANE Select); coding-DNA position 2938, A replaced by G.
Protein change: p.Thr980Ala; replaces threonine 980 with alanine.
Molecular consequence: missense variant.
Genome position (GRCh38, 1-based): chr1:47,260,431, T>C on the plus strand (A>G on the coding strand, the complement: STIL is on the minus strand). VCF-style: chr1-47260431-T-C. GRCh37 (hg19) VCF-style: chr1-47726103-T-C.
Other names: c.2935A>G, p.Thr979Ala (NM_001282936.1, NM_003035.2); c.2884A>G, p.Thr962Ala (NM_001282937.1); c.2797A>G, p.Thr933Ala (NM_001282938.1, NM_001377417.1); c.2743A>G, p.Thr915Ala (NM_001282939.1); short protein forms T915A, T979A, T933A, T962A, T980A.
Identifiers: ClinVar variation 1368068 (VCV001368068.5), dbSNP rs78932355, ClinGen allele CA842061.